The following is an entry in ClinVar:

NM_001386140.1(MTTP):c.1769+3A>G

Gene: MTTP (microsomal triglyceride transfer protein; plus strand). Cytogenetic location: 4q23.
Variant type: single nucleotide variant.
Coding change: c.1769+3A>G on transcript NM_001386140.1 (MANE Select); 3 bases into the intron after coding-DNA position 1769, A replaced by G.
Molecular consequence: intron variant.
Genome position (GRCh38, 1-based): chr4:99,608,980, A>G. VCF-style: chr4-99608980-A-G. GRCh37 (hg19) VCF-style: chr4-100530137-A-G.
Other names: c.1769+3A>G (NM_000253.4); c.1520+3A>G (NM_001300785.2).
Identifiers: ClinVar variation 347036 (VCV000347036.12), dbSNP rs375993709, ClinGen allele CA3022169.

ClinVar aggregate classification (germline): Uncertain significance. Review status: criteria provided, multiple submitters, no conflicts (2 of 4 stars). 3 submissions from 3 submitters: Uncertain significance (2). 1 of the submissions does not count toward it. Last evaluated 2025-05-05.

Conditions:
Abetalipoproteinaemia (ABL). Also called: MTP DEFICIENCY; Abetalipoproteinemia; Abetalipoproteinemia neuropathy; Apolipoprotein B deficiency; Congenital betalipoprotein deficiency syndrome. Identifiers: Orphanet 14, MedGen C0000744, MONDO:0008692, OMIM 200100, HP:0008181.

Allele frequency attached by ClinVar (database versions not stated): ExAC 0.00002; TOPMed 0.00003; gnomAD 0.00004; gnomAD exomes 0.00004 and 0.00009; ESP Exome Variant Server 0.00008.
gnomAD v4.1: 139 of 1,611,374 alleles (0.0086%); highest among the groups gnomAD compares: Non-Finnish European, 0.012%; no homozygotes.

Submissions (3):

Labcorp Genetics (formerly Invitae), Labcorp
Classification: Uncertain significance. Last evaluated: 2025-05-05. Review status: criteria provided, single submitter. Criteria: Invitae Variant Classification Sherloc (09022015). Collection method: clinical testing. Allele origin: germline.
Comment: This sequence change falls in intron 13 of the MTTP gene. It does not directly change the encoded amino acid sequence of the MTTP protein. It affects a nucleotide within the consensus splice site. This variant is present in population databases (rs375993709, gnomAD 0.009%). This variant has not been reported in the literature in individuals affected with MTTP-related conditions. ClinVar contains an entry for this variant (Variation ID: 347036). Variants that disrupt the consensus splice site are a relatively common cause of aberrant splicing (PMID: 17576681, 9536098). Algorithms developed to predict the effect of sequence changes on RNA splicing suggest that this variant may disrupt the consensus splice site. In summary, the available evidence is currently insufficient to determine the role of this variant in disease. Therefore, it has been classified as a Variant of Uncertain Significance.

Illumina Laboratory Services, Illumina
Classification: Uncertain significance for Abetalipoproteinaemia. Last evaluated: 2018-01-13. Review status: criteria provided, single submitter. Criteria: ICSL Variant Classification Criteria 13 December 2019. Collection method: clinical testing. Allele origin: germline.

Natera, Inc.
Classification: Uncertain significance for Abetalipoproteinemia. Last evaluated: 2019-11-11. Review status: no assertion criteria provided. Collection method: clinical testing. Allele origin: germline. Not counted in ClinVar's aggregate classification.

Literature cited by the submitters: PubMed 17576681 (cited by Labcorp Genetics (formerly Invitae), Labcorp); PubMed 9536098 (cited by Labcorp Genetics (formerly Invitae), Labcorp).